The following is an entry in ClinVar:

NM_000179.3(MSH6):c.900G>T (p.Arg300=)

Gene: MSH6 (mutS homolog 6; plus strand). Cytogenetic location: 2p16.3.
Variant type: single nucleotide variant.
Coding change: c.900G>T on transcript NM_000179.3 (MANE Select); coding-DNA position 900, G replaced by T.
Protein change: p.Arg300=; no amino-acid change (arginine 300 retained).
Molecular consequence: synonymous variant. On other transcripts: 5 prime UTR variant (9), non-coding transcript variant (4), intron variant (1).
Genome position (GRCh38, 1-based): chr2:47,798,883, G>T. VCF-style: chr2-47798883-G-T. GRCh37 (hg19) VCF-style: chr2-48026022-G-T.
Other names: c.510G>T, p.Arg170= (NM_001281492.2); c.-7G>T (NM_001281493.2, NM_001281494.2, NM_001406811.1 and 6 more transcripts); c.996G>T, p.Arg332= (NM_001406795.1, NM_001406802.1); c.900G>T, p.Arg300= (NM_001406796.1, NM_001406798.1, NM_001406800.1 and 4 more transcripts); c.603G>T, p.Arg201= (NM_001406797.1, NM_001406801.1, NM_001406805.1 and 10 more transcripts); c.375G>T, p.Arg125= (NM_001406799.1, NM_001406806.1, NM_001406807.1); c.822G>T, p.Arg274= (NM_001406804.1); c.906G>T, p.Arg302= (NM_001406813.1); and 2 more.
Identifiers: ClinVar variation 3903987 (VCV003903987.1).

ClinVar aggregate classification (germline): Benign (1 of 4 stars; one submission).

Conditions:
Lynch syndrome 5 (LYNCH5). Also called: Colorectal cancer, hereditary nonpolyposis, type 5; Hereditary non-polyposis colorectal cancer, type 5. Identifiers: Orphanet 144, MedGen C1833477, MONDO:0013710, OMIM 614350. Disease mechanism: loss of function.

Submission:

Myriad Genetics, Inc.
Classification: Benign for Lynch syndrome 5. Last evaluated: 2024-12-20. Review status: criteria provided, single submitter. Criteria: Myriad Autosomal Dominant, Autosomal Recessive and X-Linked Classification Criteria (2023). Collection method: clinical testing. Allele origin: unknown.
Comment: This variant is considered benign. This variant is a silent/synonymous amino acid change and it is not expected to impact splicing.